The following is an entry in ClinVar:

NM_000540.3(RYR1):c.8117T>C (p.Ile2706Thr)

Gene: RYR1 (ryanodine receptor 1; plus strand). Cytogenetic location: 19q13.2.
Variant type: single nucleotide variant.
Coding change: c.8117T>C on transcript NM_000540.3 (MANE Select); coding-DNA position 8117, T replaced by C.
Protein change: p.Ile2706Thr; replaces isoleucine 2706 with threonine.
Molecular consequence: missense variant.
Genome position (GRCh38, 1-based): chr19:38,504,797, T>C. VCF-style: chr19-38504797-T-C. GRCh37 (hg19) VCF-style: chr19-38995437-T-C.
Other names: c.8117T>C, p.Ile2706Thr (NM_001042723.2); short protein forms I2706T.
Identifiers: ClinVar variation 3636236 (VCV003636236.2).

ClinVar aggregate classification (germline): Uncertain significance (1 of 4 stars; one submission).

Conditions:
RYR1-related disorder. Also called: RYR1-related condition; RYR1-related disorders. Identifiers: MedGen CN239331.

Submission:

Labcorp Genetics (formerly Invitae), Labcorp
Classification: Uncertain significance for RYR1-related disorder. Last evaluated: 2024-04-16. Review status: criteria provided, single submitter. Criteria: Invitae Variant Classification Sherloc (09022015). Collection method: clinical testing. Allele origin: germline.
Comment: This sequence change replaces isoleucine, which is neutral and non-polar, with threonine, which is neutral and polar, at codon 2706 of the RYR1 protein (p.Ile2706Thr). This variant is not present in population databases (gnomAD no frequency). This variant has not been reported in the literature in individuals affected with RYR1-related conditions. Advanced modeling of protein sequence and biophysical properties (such as structural, functional, and spatial information, amino acid conservation, physicochemical variation, residue mobility, and thermodynamic stability) has been performed at Invitae for this missense variant, however the output from this modeling did not meet the statistical confidence thresholds required to predict the impact of this variant on RYR1 protein function. In summary, the available evidence is currently insufficient to determine the role of this variant in disease. Therefore, it has been classified as a Variant of Uncertain Significance.